The following is an entry in ClinVar:

ClinVar aggregate classification (germline): Uncertain significance (1 of 4 stars; one submission).

Conditions:
Hereditary cancer-predisposing syndrome. Also called: Neoplastic Syndromes, Hereditary; Tumor predisposition; Hereditary Cancer Syndrome; Hereditary neoplastic syndrome. Identifiers: Orphanet 140162, MedGen C0027672, MeSH D009386, MONDO:0015356.

Submission:

Ambry Genetics
Classification: Uncertain significance for Hereditary cancer-predisposing syndrome. Last evaluated: 2025-11-26. Review status: criteria provided, single submitter. Criteria: Ambry Variant Classification Scheme 2023. Collection method: clinical testing. Allele origin: germline.
Comment: The p.R290K variant (also known as c.869G>A), located in coding exon 8 of the EPCAM gene, results from a G to A substitution at nucleotide position 869. The arginine at codon 290 is replaced by lysine, an amino acid with highly similar properties. This amino acid position is conserved. In addition, this alteration is predicted to be tolerated by in silico analysis. Based on the available evidence, the clinical significance of this variant remains unclear.

NM_002354.3(EPCAM):c.869G>A (p.Arg290Lys)

Gene: EPCAM (epithelial cell adhesion molecule; plus strand). Cytogenetic location: 2p21.
Variant type: single nucleotide variant.
Coding change: c.869G>A on transcript NM_002354.3 (MANE Select); coding-DNA position 869, G replaced by A.
Protein change: p.Arg290Lys; replaces arginine 290 with lysine.
Molecular consequence: missense variant.
Genome position (GRCh38, 1-based): chr2:47,385,176, G>A. VCF-style: chr2-47385176-G-A. GRCh37 (hg19) VCF-style: chr2-47612315-G-A.
Other names: short protein forms R290K.
Identifiers: ClinVar variation 4640498 (VCV004640498.1).
Genomic context (GRCh38, chr2:47,385,176, plus strand): 5'-CTTTTTTTGAATAGCAGTCCTAAAACAATAGTTGTCTTTCTTCCACTCAGGTTATTTCCA[G>A]AAAGAAGAGAATGGCAAAGTATGAGAAGGCTGAGGTAAATGGATTACTTACCTAAATAGA-3'
Protein context (NP_002345.2, residues 280-300): VAGIVVLVIS[Arg290Lys]KKRMAKYEKA